The following is an entry in ClinVar:

ClinVar aggregate classification (germline): Uncertain significance. Review status: criteria provided, multiple submitters, no conflicts (2 of 4 stars). 2 submissions from 2 submitters: Uncertain significance (2). Last evaluated 2025-04-02.

Allele frequency attached by ClinVar (database versions not stated): gnomAD 0.00001; gnomAD exomes 0.00001; TOPMed 0.00003; 1000 Genomes Project 30x 0.00031.
gnomAD v4.1: 9 of 1,580,448 alleles (0.00057%); highest among the groups gnomAD compares: Admixed American, 0.016%; no homozygotes.

Submissions (2):

Ambry Genetics
Classification: Uncertain significance. Last evaluated: 2025-04-02. Review status: criteria provided, single submitter. Criteria: Ambry Variant Classification Scheme 2023. Collection method: clinical testing. Allele origin: germline.

Labcorp Genetics (formerly Invitae), Labcorp
Classification: Uncertain significance. Last evaluated: 2022-12-13. Review status: criteria provided, single submitter. Criteria: Invitae Variant Classification Sherloc (09022015). Collection method: clinical testing. Allele origin: germline.
Comment: In summary, the available evidence is currently insufficient to determine the role of this variant in disease. Therefore, it has been classified as a Variant of Uncertain Significance. Advanced modeling of protein sequence and biophysical properties (such as structural, functional, and spatial information, amino acid conservation, physicochemical variation, residue mobility, and thermodynamic stability) performed at Invitae indicates that this missense variant is not expected to disrupt SIX5 protein function. ClinVar contains an entry for this variant (Variation ID: 1352336). This variant has not been reported in the literature in individuals affected with SIX5-related conditions. This variant is present in population databases (no rsID available, gnomAD no frequency). This sequence change replaces glutamic acid, which is acidic and polar, with alanine, which is neutral and non-polar, at codon 396 of the SIX5 protein (p.Glu396Ala).

NM_175875.5(SIX5):c.1187A>C (p.Glu396Ala)

Gene: SIX5 (SIX homeobox 5; minus strand). Cytogenetic location: 19q13.32.
Variant type: single nucleotide variant.
Coding change: c.1187A>C on transcript NM_175875.5 (MANE Select); coding-DNA position 1187, A replaced by C.
Protein change: p.Glu396Ala; replaces glutamic acid 396 with alanine.
Molecular consequence: missense variant.
Genome position (GRCh38, 1-based): chr19:45,766,772, T>G on the plus strand (A>C on the coding strand, the complement: SIX5 is on the minus strand). VCF-style: chr19-45766772-T-G. GRCh37 (hg19) VCF-style: chr19-46270030-T-G.
Other names: c.1187A>C (NM_175875.4); short protein forms E396A.
Identifiers: ClinVar variation 1352336 (VCV001352336.7), dbSNP rs1443101619, ClinGen allele CA406419141.
Genomic context (GRCh38, chr19:45,766,772, plus strand): 5'-GCTGGTCCCGGAGCAGCCACCTGGGCCCCTTTGGTCTCAGGGGCCTCCGACTGAGCCTCC[T>G]CCAGCCGCACCTCCCCTGTCTGAGGGTCCAGGACCAGAGAGGTCTTGGTCTCGCTGGCCC-3'
Protein context (NP_787071.3, residues 386-406): LDPQTGEVRL[Glu396Ala]EAQSEAPETK